The following is an entry in ClinVar:

ClinVar aggregate classification (germline): Uncertain significance (1 of 4 stars; one submission).

Conditions:
Immunodeficiency. Identifiers: MedGen C0021051, MONDO:0021094, HP:0002721.

Submission:

Labcorp Genetics (formerly Invitae), Labcorp
Classification: Uncertain significance for Immunodeficiency. Last evaluated: 2022-12-06. Review status: criteria provided, single submitter. Criteria: Invitae Variant Classification Sherloc (09022015). Collection method: clinical testing. Allele origin: germline.
Comment: In summary, the available evidence is currently insufficient to determine the role of this variant in disease. Therefore, it has been classified as a Variant of Uncertain Significance. Algorithms developed to predict the effect of missense changes on protein structure and function (SIFT, PolyPhen-2, Align-GVGD) all suggest that this variant is likely to be tolerated. ClinVar contains an entry for this variant (Variation ID: 1489472). This variant has not been reported in the literature in individuals affected with NFAT5-related conditions. This variant is not present in population databases (gnomAD no frequency). This sequence change replaces asparagine, which is neutral and polar, with serine, which is neutral and polar, at codon 1089 of the NFAT5 protein (p.Asn1089Ser).

NM_138713.4(NFAT5):c.3548A>G (p.Asn1183Ser)

Gene: NFAT5 (nuclear factor of activated T cells 5; plus strand). Cytogenetic location: 16q22.1.
Variant type: single nucleotide variant.
Coding change: c.3548A>G on transcript NM_138713.4 (MANE Select); coding-DNA position 3548, A replaced by G.
Protein change: p.Asn1183Ser; replaces asparagine 1183 with serine.
Molecular consequence: missense variant.
Genome position (GRCh38, 1-based): chr16:69,693,373, A>G. VCF-style: chr16-69693373-A-G. GRCh37 (hg19) VCF-style: chr16-69727276-A-G.
Other names: c.3545A>G, p.Asn1182Ser (NM_001113178.3); c.2873A>G, p.Asn958Ser (NM_001367709.1); c.3494A>G, p.Asn1165Ser (NM_006599.4); c.3266A>G, p.Asn1089Ser (NM_138714.4, NM_173214.3, NM_173215.3); short protein forms N1182S, N1089S, N1183S, N1165S, N958S.
Identifiers: ClinVar variation 1489472 (VCV001489472.6), dbSNP rs2151722142, ClinGen allele CA396513253.